The following is an entry in ClinVar:

ClinVar aggregate classification (germline): Pathogenic/Likely pathogenic. Review status: criteria provided, multiple submitters, no conflicts (2 of 4 stars). 10 submissions from 10 submitters: Pathogenic (2); Likely pathogenic (7). 1 of the submissions does not count toward it. Last evaluated 2025-10-23.

Conditions:
Cardiovascular phenotype. Identifiers: MedGen CN230736.
Fetal akinesia deformation sequence syndrome.
Autosomal recessive limb-girdle muscular dystrophy type 2J (LGMDR10). Also called: Limb-girdle muscular dystrophy, type 2J; MUSCULAR DYSTROPHY, LIMB-GIRDLE, AUTOSOMAL RECESSIVE 10. Identifiers: Orphanet 140922, MedGen C1837342, MONDO:0012127, OMIM 608807.
Dilated cardiomyopathy 1G (CMD1G). Identifiers: Orphanet 154, MedGen C1858763, MONDO:0011400, OMIM 604145.
Cardiomyopathy (CMYO). Also called: Cardiomyopathies. Identifiers: Orphanet 167848, MedGen C0878544, MONDO:0004994, HP:0001638. Inheritance: Various modes of inheritance.
Myopathy, myofibrillar, 9, with early respiratory failure (MFM9). Also called: Hereditary myopathy with early respiratory failure; EDSTROM MYOPATHY; MYOPATHY, PROXIMAL, WITH EARLY RESPIRATORY MUSCLE INVOLVEMENT; Myopathy, distal, with early respiratory failure, autosomal dominant. Identifiers: Orphanet 178464, Orphanet 34521, MedGen C1863599, MONDO:0011362, OMIM 603689.
Tibial muscular dystrophy (TMD). Also called: Tibial muscular dystrophy, tardive; UDD MYOPATHY; Udd Distal Myopathy – Tibial Muscular Dystrophy. Identifiers: Orphanet 609, MedGen C1838244, MONDO:0010870, OMIM 600334.
Hypertrophic cardiomyopathy 9. Also called: Familial hypertrophic cardiomyopathy 9. Identifiers: MedGen C1861065, MONDO:0013412, OMIM 613765.
Early-onset myopathy with fatal cardiomyopathy (CMYO5). Also called: Salih Myopathy; CONGENITAL MYOPATHY 5 WITH CARDIOMYOPATHY. Identifiers: Orphanet 289377, MedGen C2673677, MONDO:0012714, OMIM 611705. Disease mechanism: loss of function.

Allele frequency attached by ClinVar (database versions not stated): gnomAD exomes below 0.00001.
gnomAD v4.1: 4 of 1,612,238 alleles (0.00025%); highest among the groups gnomAD compares: East Asian, 0.0022%; no homozygotes.

Submissions (10):

Labcorp Genetics (formerly Invitae), Labcorp
Classification: Likely pathogenic for Dilated cardiomyopathy 1G; Autosomal recessive limb-girdle muscular dystrophy type 2J. Last evaluated: 2025-10-23. Review status: criteria provided, single submitter. Criteria: Invitae Variant Classification Sherloc (09022015). Collection method: clinical testing. Allele origin: germline.
Comment: This sequence change creates a premature translational stop signal (p.Arg20519*) in the TTN gene. While this is not anticipated to result in nonsense mediated decay, it is expected to create a truncated TTN protein. This variant is not present in population databases (gnomAD no frequency). This premature translational stop signal has been observed in individual(s) with dilated cardiomyopathy (PMID: 36264615, 39844436; internal data). ClinVar contains an entry for this variant (Variation ID: 202397). This variant is located in the A band of TTN (PMID: 25589632). Truncating variants in this region are significantly overrepresented in patients affected with dilated cardiomyopathy (PMID: 25589632). Truncating variants in this region have also been reported in individuals affected with autosomal recessive centronuclear myopathy (PMID: 23975875). In summary, the currently available evidence indicates that the variant is pathogenic, but additional data are needed to prove that conclusively. Therefore, this variant has been classified as Likely Pathogenic.

New York Genome Center
Classification: Pathogenic for Fetal akinesia deformation sequence syndrome. Last evaluated: 2023-08-09. Review status: criteria provided, single submitter. Criteria: NYGC Assertion Criteria 2020. Collection method: clinical testing. Allele origin: inherited. Affected: yes. Observed: 1 variant allele, 1 compound heterozygote.
Comment: The c.61555C>T variant identified in TTN has not previously been reported in individuals with titinopathies; it has been reported in ClinVar as Pathogenic/LikelyPathogenic by multiple submitters [ClinVar ID: 202397]. The c.61555C>T is absent from population databases (gnomAD v2.1.1 and v3.1.2, TOPMed Freeze 8), suggesting it is not a common benign variant in the populations represented in those databases. The c.61555C>T variant is located in exon 304 (A-band) of this 363-exon gene, is predicted to incorporate a premature termination codon (p.(Arg20519Ter)) and is expected to result in loss-of-function through nonsense-mediated mRNA decay. Based on available evidence, this heterozygous c.61555C>T p.(Arg20519Ter) variant identified in TTN is classified here as Pathogenic.

Ambry Genetics
Classification: Likely pathogenic for Cardiovascular phenotype. Last evaluated: 2022-10-03. Review status: criteria provided, single submitter. Criteria: Ambry Variant Classification Scheme 2023. Collection method: clinical testing. Allele origin: germline.
Comment: The p.R11454* variant (also known as c.34360C>T), located in coding exon 131 of the TTN gene, results from a C to T substitution at nucleotide position 34360. This changes the amino acid from an arginine to a stop codon within coding exon 131. This exon is located in the A-band region of the N2-B isoform of the titin protein and is constitutively expressed in TTN transcripts (percent spliced in or PSI 100%). This variant is considered to be rare based on population cohorts in the Genome Aggregation Database (gnomAD). In addition, this alteration is expected to result in loss of function by premature protein truncation or nonsense-mediated mRNA decay. While truncating variants in TTN are present in 1-3% of the general population, truncating variants in the A-band are the most common cause of dilated cardiomyopathy (DCM) (Herman DS et al. N. Engl. J. Med., 2012 Feb;366:619-28; Roberts AM et al. Sci Transl Med, 2015 Jan;7:270ra6). TTN truncating variants encoded in constitutive exons (PSI >90%) have been found to be significantly associated with DCM regardless of their position in titin (Schafer S et al. Nat. Genet., 2017 01;49:46-53). As such, this alteration is classified as likely pathogenic.

Revvity Omics, Revvity
Classification: Likely pathogenic. Last evaluated: 2022-07-11. Review status: criteria provided, single submitter. Criteria: ACMG Guidelines, 2015. Collection method: clinical testing. Allele origin: germline.

Fulgent Genetics
Classification: Likely pathogenic for Tibial muscular dystrophy; Myopathy, myofibrillar, 9, with early respiratory failure; Dilated cardiomyopathy 1G; Autosomal recessive limb-girdle muscular dystrophy type 2J; Early-onset myopathy with fatal cardiomyopathy; Hypertrophic cardiomyopathy 9. Last evaluated: 2021-10-07. Review status: criteria provided, single submitter. Criteria: ACMG Guidelines, 2015. Collection method: clinical testing. Allele origin: unknown.

AiLife Diagnostics
Classification: Likely pathogenic. Last evaluated: 2021-09-21. Review status: criteria provided, single submitter. Criteria: ACMG Guidelines, 2015. Collection method: clinical testing. Allele origin: germline. Affected: yes. Observed: 1 variant allele.

CHEO Genetics Diagnostic Laboratory, Children's Hospital of Eastern Ontario
Classification: Likely pathogenic for Cardiomyopathy. Last evaluated: 2019-06-14. Review status: criteria provided, single submitter. Criteria: ACMG Guidelines, 2015. Collection method: clinical testing. Allele origin: germline.

Juno Genomics, Hangzhou Juno Genomics, Inc
Classification: Likely pathogenic for Dilated cardiomyopathy 1G. Review status: criteria provided, single submitter. Criteria: ACMG Guidelines, 2015. Collection method: clinical testing. Allele origin: germline.
Comment: Absent from controls (or at extremely low frequency if recessive) in Genome Aggregation Database.;Null variant in a gene where loss of function (LOF) is a known mechanism of disease.

Lifecell International Pvt. Ltd
Classification: Pathogenic for Dilated cardiomyopathy 1G. Review status: criteria provided, single submitter. Criteria: ACMG Guidelines, 2015. Collection method: clinical testing. Allele origin: germline. Inheritance: Autosomal dominant inheritance. Affected: yes. Observed: 1 heterozygote.
Comment: A Heterozygous Nonsense variant c.34360C>T in Exon 132 of the TTN gene that results in the amino acid substitution p.Arg11454* was identified. The observed variant has a minor allele frequency of 0% in gnomAD exomes and genomes, respectively. The severity of the impact of this variant on the protein is high, based on the effect of the protein and REVEL score. Rare Exome Variant Ensemble Learner (REVEL) is an ensembl method for predicting the pathogenicity of missense variants based on a combination of scores from 13 individual tools: MutPred, FATHMM v2.3, VEST 3.0, PolyPhen-2, SIFT, PROVEAN, MutationAssessor, MutationTaster, LRT, GERP++, SiPhy, phyloP, and phastCons. The REVEL score for an individual missense variant can range from 0 to 1, with higher scores reflecting greater likelihood that the variant is disease-causing. ClinVar has also classified this variant as Likely Pathogenic with 2 stars, criteria provided, multiple submitters, no conflicts (202397). Based on the above evidence this variant has been classified as Pathogenic according to the ACMG guidelines.

Cardiogenetics and Myogenetics Molecular and Cellular Functional Unit, Aphp Sorbonne University-Hopital Pitie Salpetriere
Classification: Likely pathogenic for Dilated cardiomyopathy 1G. Last evaluated: 2024-01-06. Review status: no assertion criteria provided. Collection method: clinical testing. Allele origin: germline. Affected: yes. Not counted in ClinVar's aggregate classification.

Literature cited by the submitters: PubMed 36264615 (cited by Labcorp Genetics (formerly Invitae), Labcorp); PubMed 39844436 (cited by Labcorp Genetics (formerly Invitae), Labcorp); PubMed 25589632 (cited by Labcorp Genetics (formerly Invitae), Labcorp); PubMed 23975875 (cited by Labcorp Genetics (formerly Invitae), Labcorp).

NM_001267550.2(TTN):c.61555C>T (p.Arg20519Ter)

Genes: TTN (titin; minus strand), TTN-AS1 (TTN antisense RNA 1; plus strand). Cytogenetic location: 2q31.2.
Variant type: single nucleotide variant.
Coding change: c.61555C>T on transcript NM_001267550.2 (MANE Select); coding-DNA position 61555, C replaced by T.
Protein change: p.Arg20519Ter; replaces arginine 20519 with a stop codon.
Molecular consequence: nonsense.
Genome position (GRCh38, 1-based): chr2:178,590,170, G>A on the plus strand (C>T on the coding strand, the complement: TTN is on the minus strand). VCF-style: chr2-178590170-G-A. GRCh37 (hg19) VCF-style: chr2-179454897-G-A.
Other names: c.56632C>T, p.Arg18878Ter (NM_001256850.1); c.34360C>T, p.Arg11454Ter (NM_003319.4); c.53851C>T, p.Arg17951Ter (NM_133378.4); c.34735C>T, p.Arg11579Ter (NM_133432.3); c.34936C>T, p.Arg11646Ter (NM_133437.4); short protein forms R18878*, R20519*, R11579*, R11646*, R17951*, R11454*.
Identifiers: ClinVar variation 202397 (VCV000202397.23), dbSNP rs794729278, ClinGen allele CA309290.